The following is an entry in ClinVar:

NM_007098.4(CLTCL1):c.4774G>A (p.Val1592Met)

Gene: CLTCL1 (clathrin heavy chain like 1; minus strand). Cytogenetic location: 22q11.21.
Variant type: single nucleotide variant.
Coding change: c.4774G>A on transcript NM_007098.4 (MANE Select); coding-DNA position 4774, G replaced by A.
Protein change: p.Val1592Met; replaces valine 1592 with methionine.
Molecular consequence: missense variant.
Genome position (GRCh38, 1-based): chr22:19,183,443, C>T on the plus strand (G>A on the coding strand, the complement: CLTCL1 is on the minus strand). VCF-style: chr22-19183443-C-T. GRCh37 (hg19) VCF-style: chr22-19170956-C-T.
Other names: p.Val1592Met; c.4603G>A, p.Val1535Met (NM_001835.4); short protein forms V1535M, V1592M.
Identifiers: ClinVar variation 1262625 (VCV001262625.4), dbSNP rs2073738, ClinGen allele CA10097639.
Genomic context (GRCh38, chr22:19,183,443, plus strand): 5'-CACCTACCTTGCTCAGGTACTCCCTCATCACCTGGATGAAGTAGGGCATGGCCAAGTCCA[C>T]GAGGTTGTGCCTCCAGGCCAGCTCAAGCACCATGTCTGGGCGAAGCAGGTCATAGCAGGT-3'
Protein context (NP_009029.3, residues 1582-1602): VLELAWRHNL[Val1592Met]DLAMPYFIQV

ClinVar aggregate classification (germline): Benign. Review status: criteria provided, multiple submitters, no conflicts (2 of 4 stars). 3 submissions from 3 submitters: Benign (3). Last evaluated 2023-04-03.

Allele frequency attached by ClinVar (database versions not stated): 1000 Genomes Project 30x 0.02889; 1000 Genomes Project 0.03155; ESP Exome Variant Server 0.00571.
gnomAD v4.1: 18,137 of 1,613,660 alleles (1.1%); highest among the groups gnomAD compares: East Asian, 6.8%; 307 homozygotes.

Submissions (3):

Mayo Clinic Laboratories, Mayo Clinic
Classification: Benign. Last evaluated: 2023-04-03. Review status: criteria provided, single submitter. Criteria: ACMG Guidelines, 2015. Collection method: clinical testing. Allele origin: germline. Observed: 14 variant alleles.
Comment: BA1

GeneDx
Classification: Benign. Last evaluated: 2019-04-19. Review status: criteria provided, single submitter. Criteria: GeneDx Variant Classification Process June 2021. Collection method: clinical testing. Allele origin: germline. Affected: yes.
Comment: This variant is associated with the following publications: (PMID: 30448225)

Breakthrough Genomics
Classification: Benign. Review status: criteria provided, single submitter. Criteria: ACMG Guidelines, 2015. Collection method: not provided. Allele origin: germline. Inheritance: Unknown mechanism. Affected: yes.